The following is an entry in ClinVar:

NM_004646.4(NPHS1):c.895C>T (p.Arg299Cys)

Gene: NPHS1 (NPHS1 adhesion molecule, nephrin; minus strand). Cytogenetic location: 19q13.12.
Variant type: single nucleotide variant.
Coding change: c.895C>T on transcript NM_004646.4 (MANE Select); coding-DNA position 895, C replaced by T.
Protein change: p.Arg299Cys; replaces arginine 299 with cysteine.
Molecular consequence: missense variant.
Genome position (GRCh38, 1-based): chr19:35,849,093, G>A on the plus strand (C>T on the coding strand, the complement: NPHS1 is on the minus strand). VCF-style: chr19-35849093-G-A. GRCh37 (hg19) VCF-style: chr19-36339995-G-A.
Other names: short protein forms R299C.
Identifiers: ClinVar variation 328874 (VCV000328874.17), dbSNP rs753476209, ClinGen allele CA9390606.

ClinVar aggregate classification (germline): Conflicting classifications of pathogenicity. Review status: criteria provided, conflicting classifications (1 of 4 stars). 3 submissions from 3 submitters: Pathogenic (1); Likely pathogenic (1); Uncertain significance (1). Last evaluated 2025-06-20.

Conditions:
Finnish congenital nephrotic syndrome (NPHS1). Also called: NEPHROTIC SYNDROME, TYPE 1. Identifiers: Orphanet 839, MedGen C0403399, MONDO:0009732, OMIM 256300.

Allele frequency attached by ClinVar (database versions not stated): gnomAD 0.00001; gnomAD exomes 0.00001; TOPMed 0.00001; ExAC 0.00002.
gnomAD v4.1: 15 of 1,609,594 alleles (0.00093%); highest among the groups gnomAD compares: South Asian, 0.0055%; no homozygotes.

Submissions (3):

Women's Health and Genetics/Laboratory Corporation of America, LabCorp
Classification: Uncertain significance. Last evaluated: 2025-06-20. Review status: criteria provided, single submitter. Criteria: LabCorp Variant Classification Summary - May 2015. Collection method: clinical testing. Allele origin: germline.
Comment: Variant summary: NPHS1 c.895C>T (p.Arg299Cys) results in a non-conservative amino acid change located in the Immunoglobulin-like domain (IPR007110) of the encoded protein sequence. Algorithms developed to predict the effect of missense changes on protein structure and function are either unavailable or do not agree on the potential impact of this missense change. The variant allele was found at a frequency of 8.2e-06 in 245128 control chromosomes. c.895C>T has been observed in individual(s) affected with Nephrotic Syndrome, Type 1 (Schoeb_2010, internal_testing). These data indicate that the variant may be associated with disease. To our knowledge, no experimental evidence demonstrating an impact on protein function has been reported. The following publications have been ascertained in the context of this evaluation (PMID: 28780565, 20172850). ClinVar contains an entry for this variant (Variation ID: 328874). Based on the evidence outlined above, the variant was classified as VUS-possibly pathogenic.

Labcorp Genetics (formerly Invitae), Labcorp
Classification: Pathogenic. Last evaluated: 2024-08-12. Review status: criteria provided, single submitter. Criteria: Invitae Variant Classification Sherloc (09022015). Collection method: clinical testing. Allele origin: germline.
Comment: This sequence change replaces arginine, which is basic and polar, with cysteine, which is neutral and slightly polar, at codon 299 of the NPHS1 protein (p.Arg299Cys). This variant is present in population databases (rs753476209, gnomAD 0.003%). This missense change has been observed in individual(s) with clinical features of nephrotic syndrome (PMID: 20172850; Invitae). In at least one individual the data is consistent with being in trans (on the opposite chromosome) from a pathogenic variant. ClinVar contains an entry for this variant (Variation ID: 328874). Advanced modeling of protein sequence and biophysical properties (such as structural, functional, and spatial information, amino acid conservation, physicochemical variation, residue mobility, and thermodynamic stability) performed at Invitae indicates that this missense variant is expected to disrupt NPHS1 protein function with a positive predictive value of 80%. This variant disrupts the p.Arg299 amino acid residue in NPHS1. Other variant(s) that disrupt this residue have been observed in individuals with NPHS1-related conditions (PMID: 20507940), which suggests that this may be a clinically significant amino acid residue. For these reasons, this variant has been classified as Pathogenic.

Fulgent Genetics
Classification: Likely pathogenic for Finnish congenital nephrotic syndrome. Last evaluated: 2024-02-02. Review status: criteria provided, single submitter. Criteria: ACMG Guidelines, 2015. Collection method: clinical testing. Allele origin: germline.

Literature cited by the submitters: PubMed 28780565 (cited by Women's Health and Genetics/Laboratory Corporation of America, LabCorp); PubMed 20172850 (cited by Women's Health and Genetics/Laboratory Corporation of America, LabCorp and Labcorp Genetics (formerly Invitae), Labcorp); PubMed 20507940 (cited by Labcorp Genetics (formerly Invitae), Labcorp).